The following is an entry in ClinVar:

NM_001005361.3(DNM2):c.2392G>C (p.Val798Leu)

Gene: DNM2 (dynamin 2; plus strand). Cytogenetic location: 19p13.2.
Variant type: single nucleotide variant.
Coding change: c.2392G>C on transcript NM_001005361.3 (MANE Select); coding-DNA position 2392, G replaced by C.
Protein change: p.Val798Leu; replaces valine 798 with leucine.
Molecular consequence: missense variant.
Genome position (GRCh38, 1-based): chr19:10,830,227, G>C. VCF-style: chr19-10830227-G-C. GRCh37 (hg19) VCF-style: chr19-10940903-G-C.
Other names: c.2392G>C, p.Val798Leu (NM_001190716.2, NM_001005360.3); c.2380G>C, p.Val794Leu (NM_004945.4, NM_001005362.3); short protein forms V794L, V798L.
Identifiers: ClinVar variation 4738851 (VCV004738851.1).

ClinVar aggregate classification (germline): Uncertain significance (1 of 4 stars; one submission).

Conditions:
Charcot-Marie-Tooth disease dominant intermediate B (CMTDIB). Also called: CHARCOT-MARIE-TOOTH NEUROPATHY, DOMINANT INTERMEDIATE B; Charcot-Marie-Tooth disease dominant intermediate 1; CMT DI1; Charcot-Marie-Tooth disease dominant intermediate I. Identifiers: Orphanet 100044, Orphanet 228179, MedGen C1847902, MONDO:0011674, OMIM 606482.

Submission:

Labcorp Genetics (formerly Invitae), Labcorp
Classification: Uncertain significance for Charcot-Marie-Tooth disease dominant intermediate B. Last evaluated: 2025-03-05. Review status: criteria provided, single submitter. Criteria: Invitae Variant Classification Sherloc (09022015). Collection method: clinical testing. Allele origin: germline.
Comment: This sequence change replaces valine, which is neutral and non-polar, with leucine, which is neutral and non-polar, at codon 798 of the DNM2 protein (p.Val798Leu). This variant is present in population databases (rs749127514, gnomAD 0.002%). This variant has not been reported in the literature in individuals affected with DNM2-related conditions. Invitae Evidence Modeling of protein sequence and biophysical properties (such as structural, functional, and spatial information, amino acid conservation, physicochemical variation, residue mobility, and thermodynamic stability) indicates that this missense variant is not expected to disrupt DNM2 protein function with a negative predictive value of 95%. In summary, the available evidence is currently insufficient to determine the role of this variant in disease. Therefore, it has been classified as a Variant of Uncertain Significance.